The following is an entry in ClinVar:

ClinVar aggregate classification (germline): Likely benign (1 of 4 stars; one submission).

gnomAD v4.1: 1,389 of 1,613,762 alleles (0.086%); highest among the groups gnomAD compares: Non-Finnish European, 0.11%; 3 homozygotes.

Submission:

CeGaT Center for Human Genetics Tuebingen
Classification: Likely benign. Last evaluated: 2025-05-01. Review status: criteria provided, single submitter. Criteria: CeGaT Center For Human Genetics Tuebingen Variant Classification Criteria Version 2. Collection method: clinical testing. Allele origin: germline. Affected: yes. Observed: 1 variant allele.
Comment: LRP1: BS2

NM_002332.3(LRP1):c.13471G>C (p.Asp4491His)

Gene: LRP1 (LDL receptor related protein 1; plus strand). Cytogenetic location: 12q13.3.
Variant type: single nucleotide variant.
Coding change: c.13471G>C on transcript NM_002332.3 (MANE Select); coding-DNA position 13471, G replaced by C.
Protein change: p.Asp4491His; replaces aspartic acid 4491 with histidine.
Molecular consequence: missense variant.
Genome position (GRCh38, 1-based): chr12:57,212,238, G>C. VCF-style: chr12-57212238-G-C. GRCh37 (hg19) VCF-style: chr12-57606021-G-C.
Other names: short protein forms D4491H.
Identifiers: ClinVar variation 3904984 (VCV003904984.10).
Genomic context (GRCh38, chr12:57,212,238, plus strand): 5'-CCCACCTACAAGATGTACGAAGGCGGAGAGCCTGATGATGTGGGAGGCCTACTGGACGCT[G>C]ACTTTGCCCTGGACCCTGACAAGGTGGGCTGGGAGGCGGGCAGGGTCGAGTGCCAAGAGG-3'
Protein context (NP_002323.2, residues 4481-4501): PDDVGGLLDA[Asp4491His]FALDPDKPTN